The following is an entry in ClinVar:

NM_001330078.2(NRXN1):c.2332C>A (p.Leu778Met)

Gene: NRXN1 (neurexin 1; minus strand). Cytogenetic location: 2p16.3.
Variant type: single nucleotide variant.
Coding change: c.2332C>A on transcript NM_001330078.2 (MANE Select); coding-DNA position 2332, C replaced by A.
Protein change: p.Leu778Met; replaces leucine 778 with methionine.
Molecular consequence: missense variant.
Genome position (GRCh38, 1-based): chr2:50,531,242, G>T on the plus strand (C>A on the coding strand, the complement: NRXN1 is on the minus strand). VCF-style: chr2-50531242-G-T. GRCh37 (hg19) VCF-style: chr2-50758380-G-T.
Other names: c.2452C>A, p.Leu818Met (NM_001135659.3); c.2308C>A, p.Leu770Met (NM_001330077.2, NM_001330082.2, NM_001330095.2); c.2293C>A, p.Leu765Met (NM_001330083.2, NM_001330084.2); c.2332C>A, p.Leu778Met (NM_001330085.2, NM_001330086.2, NM_004801.6); c.2248C>A, p.Leu750Met (NM_001330087.2, NM_001330096.2); c.2278C>A, p.Leu760Met (NM_001330088.2); c.2329C>A, p.Leu777Met (NM_001330093.2); c.2320C>A, p.Leu774Met (NM_001330094.2); short protein forms L818M, L750M, L778M, L770M, L774M, L760M, L765M, L777M.
Identifiers: ClinVar variation 194028 (VCV000194028.15), dbSNP rs374942732, ClinGen allele CA239811.

ClinVar aggregate classification (germline): Uncertain significance. Review status: criteria provided, multiple submitters, no conflicts (2 of 4 stars). 2 submissions from 2 submitters: Uncertain significance (2). Last evaluated 2024-07-15.

Conditions:
Pitt-Hopkins-like syndrome 2 (PTHSL2). Identifiers: Orphanet 221150, Orphanet 600663, MedGen C3280479, MONDO:0013690, OMIM 614325.

Allele frequency attached by ClinVar (database versions not stated): gnomAD exomes below 0.00001; ExAC 0.00001; gnomAD 0.00002; TOPMed 0.00003; ESP Exome Variant Server 0.00008.

Submissions (2):

Labcorp Genetics (formerly Invitae), Labcorp
Classification: Uncertain significance for Pitt-Hopkins-like syndrome 2. Last evaluated: 2024-07-15. Review status: criteria provided, single submitter. Criteria: Invitae Variant Classification Sherloc (09022015). Collection method: clinical testing. Allele origin: germline.
Comment: This sequence change replaces leucine, which is neutral and non-polar, with methionine, which is neutral and non-polar, at codon 818 of the NRXN1 protein (p.Leu818Met). The frequency data for this variant in the population databases is considered unreliable, as metrics indicate poor data quality at this position in the gnomAD database. This variant has not been reported in the literature in individuals affected with NRXN1-related conditions. ClinVar contains an entry for this variant (Variation ID: 194028). An algorithm developed to predict the effect of missense changes on protein structure and function (PolyPhen-2) suggests that this variant is likely to be disruptive. In summary, the available evidence is currently insufficient to determine the role of this variant in disease. Therefore, it has been classified as a Variant of Uncertain Significance.

Eurofins Ntd Llc (ga)
Classification: Uncertain significance. Last evaluated: 2015-03-03. Review status: criteria provided, single submitter. Criteria: EGL Classification Definitions 2015. Collection method: clinical testing. Allele origin: germline. Observed: 1 variant allele, 1 heterozygote.